The following is an entry in ClinVar:

NM_016203.4(PRKAG2):c.466+1G>C

Gene: PRKAG2 (protein kinase AMP-activated non-catalytic subunit gamma 2; minus strand). Cytogenetic location: 7q36.1.
Variant type: single nucleotide variant.
Coding change: c.466+1G>C on transcript NM_016203.4 (MANE Select); the canonical splice donor site of the intron after coding-DNA position 466, G replaced by C.
Molecular consequence: splice donor variant. On other transcripts: missense variant (1), intron variant (1).
Genome position (GRCh38, 1-based): chr7:151,781,151, C>G on the plus strand (G>C on the coding strand, the complement: PRKAG2 is on the minus strand). VCF-style: chr7-151781151-C-G. GRCh37 (hg19) VCF-style: chr7-151478237-C-G.
Other names: c.335G>C, p.Ser112Thr (NM_001407033.1); c.466+1G>C (NM_001407031.1, NM_001407030.1, NM_001407023.1 and 2 more transcripts); c.148+33265G>C (NM_001407032.1); c.334+1G>C (NM_001407026.1, NM_001040633.2, NM_001407027.1 and 1 more transcripts); short protein forms S112T.
Identifiers: ClinVar variation 2628380 (VCV002628380.4), dbSNP rs1563658309, ClinGen allele CA370069132.

ClinVar aggregate classification (germline): Uncertain significance. Review status: criteria provided, multiple submitters, no conflicts (2 of 4 stars). 2 submissions from 2 submitters: Uncertain significance (2). Last evaluated 2023-01-18.

Conditions:
Lethal congenital glycogen storage disease of heart. Also called: GLYCOGEN STORAGE DISEASE OF HEART; PHOSPHORYLASE KINASE DEFICIENCY OF HEART. Identifiers: Orphanet 439854, MedGen C1849813, MONDO:0009867, OMIM 261740.
PRKAG2-related disorder. Also called: PRKAG2-related condition; PRKAG2-related disorders.

Submissions (2):

Labcorp Genetics (formerly Invitae), Labcorp
Classification: Uncertain significance for Lethal congenital glycogen storage disease of heart. Last evaluated: 2023-01-18. Review status: criteria provided, single submitter. Criteria: Invitae Variant Classification Sherloc (09022015). Collection method: clinical testing. Allele origin: germline.
Comment: In summary, the available evidence is currently insufficient to determine the role of this variant in disease. Therefore, it has been classified as a Variant of Uncertain Significance. Algorithms developed to predict the effect of sequence changes on RNA splicing suggest that this variant may disrupt the consensus splice site. This variant has not been reported in the literature in individuals affected with PRKAG2-related conditions. This variant is not present in population databases (gnomAD no frequency). This sequence change affects a donor splice site in intron 3 of the PRKAG2 gene. It is expected to disrupt RNA splicing. Variants that disrupt the donor or acceptor splice site typically lead to a loss of protein function (PMID: 16199547), however the current clinical and genetic evidence is not sufficient to establish whether loss-of-function variants in PRKAG2 cause disease.

PreventionGenetics, part of Exact Sciences
Classification: Uncertain significance for PRKAG2-related condition. Last evaluated: 2022-09-13. Review status: criteria provided, single submitter. Criteria: ACMG Guidelines, 2015. Collection method: clinical testing. Allele origin: germline.
Comment: The PRKAG2 c.466+1G>C variant is predicted to disrupt the GT donor site and interfere with normal splicing. However, in many alternate transcripts this variant is located in the 5' untranslated region. To our knowledge, this variant has not been reported in the literature or in a large population database, indicating this variant is rare. At this time, the clinical significance of this variant is uncertain due to the absence of conclusive functional and genetic evidence.

Literature cited by the submitters: PubMed 16199547 (cited by Labcorp Genetics (formerly Invitae), Labcorp).